The following is an entry in ClinVar:

ClinVar aggregate classification (germline): Benign. Review status: criteria provided, multiple submitters, no conflicts (2 of 4 stars). 4 submissions from 4 submitters: Benign (4). Last evaluated 2026-02-04.

Conditions:
Methylmalonic acidemia with homocystinuria, type cblJ (MAHCJ). Also called: METHYLMALONIC ACIDURIA AND HOMOCYSTINURIA, cblJ TYPE. Identifiers: Orphanet 369955, MedGen C3553915, MONDO:0013925, OMIM 614857.

Allele frequency attached by ClinVar (database versions not stated): gnomAD exomes 0.00637 and 0.01676; ExAC 0.02054; gnomAD 0.06536 and 0.06972; 1000 Genomes Project 0.07248; TOPMed 0.07329; ESP Exome Variant Server 0.07481; 1000 Genomes Project 30x 0.07979.
gnomAD v4.1: 19,671 of 1,614,092 alleles (1.2%); highest among the groups gnomAD compares: African/African-American, 23%; 2,024 homozygotes.

Submissions (9):

Labcorp Genetics (formerly Invitae), Labcorp
Classification: Benign for Methylmalonic acidemia with homocystinuria, type cblJ. Last evaluated: 2026-02-04. Review status: criteria provided, single submitter. Criteria: Invitae Variant Classification Sherloc (09022015). Collection method: clinical testing. Allele origin: germline.

Mayo Clinic Laboratories, Mayo Clinic
Classification: Benign. Last evaluated: 2022-07-22. Review status: criteria provided, single submitter. Criteria: ACMG Guidelines, 2015. Collection method: clinical testing. Allele origin: germline. Observed: 5 variant alleles.

GeneDx
Classification: Benign. Last evaluated: 2016-02-23. Review status: criteria provided, single submitter. Criteria: GeneDx Variant Classification (06012015). Collection method: clinical testing. Allele origin: germline. Affected: yes.
Comment: This variant is considered likely benign or benign based on one or more of the following criteria: it is a conservative change, it occurs at a poorly conserved position in the protein, it is predicted to be benign by multiple in silico algorithms, and/or has population frequency not consistent with disease.

Breakthrough Genomics
Classification: Benign. Review status: criteria provided, single submitter. Criteria: ACMG Guidelines, 2015. Collection method: not provided. Allele origin: germline. Inheritance: Autosomal recessive inheritance. Affected: yes.

Dr. Peter K. Rogan Lab, Western University
No classification provided (evidence only). Condition: Clear cell carcinoma of kidney. Review status: no classification provided. Collection method: in vitro. Allele origin: not applicable. Functional consequence: retained intron. Not counted in ClinVar's aggregate classification.

Dr. Peter K. Rogan Lab, Western University
No classification provided (evidence only). Condition: Thyroid cancer, nonmedullary, 1. Review status: no classification provided. Collection method: in vitro. Allele origin: not applicable. Functional consequence: retained intron. Not counted in ClinVar's aggregate classification.

Dr. Peter K. Rogan Lab, Western University
No classification provided (evidence only). Condition: Ovarian serous cystadenocarcinoma. Review status: no classification provided. Collection method: in vitro. Allele origin: not applicable. Functional consequence: retained intron. Not counted in ClinVar's aggregate classification.

Dr. Peter K. Rogan Lab, Western University
No classification provided (evidence only). Condition: Gastric cancer. Review status: no classification provided. Collection method: in vitro. Allele origin: not applicable. Functional consequence: retained intron. Not counted in ClinVar's aggregate classification.

Dr. Peter K. Rogan Lab, Western University
No classification provided (evidence only). Condition: Gastric cancer. Review status: no classification provided. Collection method: in vitro. Allele origin: not applicable. Functional consequence: retained intron. Not counted in ClinVar's aggregate classification.

NM_005050.4(ABCD4):c.1302G>A (p.Leu434=)

Gene: ABCD4 (ATP binding cassette subfamily D member 4; minus strand). Cytogenetic location: 14q24.3.
Variant type: single nucleotide variant.
Coding change: c.1302G>A on transcript NM_005050.4 (MANE Select); coding-DNA position 1302, G replaced by A.
Protein change: p.Leu434=; no amino-acid change (leucine 434 retained).
Molecular consequence: synonymous variant. On other transcripts: non-coding transcript variant (10).
Genome position (GRCh38, 1-based): chr14:74,290,316, C>T on the plus strand (G>A on the coding strand, the complement: ABCD4 is on the minus strand). VCF-style: chr14-74290316-C-T. GRCh37 (hg19) VCF-style: chr14-74757019-C-T.
Other names: p.Leu434=; c.1176G>A, p.Leu392= (NM_001353591.2, NM_001353592.2); c.1041G>A, p.Leu347= (NM_001353593.2); c.990G>A, p.Leu330= (NM_001353594.2); c.888G>A, p.Leu296= (NM_001353595.2, NM_001353596.2); c.837G>A, p.Leu279= (NM_001353597.2); c.825G>A, p.Leu275= (NM_001353598.2, NM_001353599.2, NM_001353600.2 and 2 more transcripts); c.513G>A, p.Leu171= (NM_001353602.2, NM_001353603.2, NM_001353604.2 and 6 more transcripts); and 1 more.
Identifiers: ClinVar variation 380503 (VCV000380503.13), dbSNP rs11845976, ClinGen allele CA7266869.